The following is an entry in ClinVar:

ClinVar aggregate classification (germline): Benign/Likely benign. Review status: criteria provided, multiple submitters, no conflicts (2 of 4 stars). 3 submissions from 3 submitters: Benign (1); Likely benign (2). Last evaluated 2026-08-01.

Allele frequency attached by ClinVar (database versions not stated): 1000 Genomes Project 30x 0.00297; 1000 Genomes Project 0.00319; TOPMed 0.00485; ESP Exome Variant Server 0.00723; ExAC 0.00911; gnomAD exomes 0.00915 and 0.01006.
gnomAD v4.1: 15,668 of 1,600,378 alleles (0.98%); highest among the groups gnomAD compares: Non-Finnish European, 1%; 142 homozygotes.

Submissions (3):

CeGaT Center for Human Genetics Tuebingen
Classification: Benign. Last evaluated: 2026-08-01. Review status: criteria provided, single submitter. Criteria: CeGaT Center For Human Genetics Tuebingen Variant Classification Criteria Version 2. Collection method: clinical testing. Allele origin: germline. Affected: yes. Observed: 37 variant alleles.
Comment: SCN1A: BS1, BS2

GeneDx
Classification: Likely benign. Last evaluated: 2018-06-26. Review status: criteria provided, single submitter. Criteria: GeneDx Variant Classification Process June 2021. Collection method: clinical testing. Allele origin: germline. Affected: yes.

Breakthrough Genomics
Classification: Likely benign. Review status: criteria provided, single submitter. Criteria: ACMG Guidelines, 2015. Collection method: not provided. Allele origin: germline. Inheritance: Autosomal dominant inheritance. Affected: yes.

NM_001165963.4(SCN1A):c.3705+33T>G

Genes: SCN1A (sodium voltage-gated channel alpha subunit 1; minus strand), LOC102724058 (uncharacterized LOC102724058; plus strand). Cytogenetic location: 2q24.3.
Variant type: single nucleotide variant.
Coding change: c.3705+33T>G on transcript NM_001165963.4 (MANE Select); 33 bases into the intron after coding-DNA position 3705, T replaced by G.
Molecular consequence: intron variant.
Genome position (GRCh38, 1-based): chr2:166,013,711, A>C on the plus strand (T>G on the coding strand, the complement: SCN1A is on the minus strand). VCF-style: chr2-166013711-A-C. GRCh37 (hg19) VCF-style: chr2-166870221-A-C.
Other names: c.3672+33T>G (NM_001353949.2, NM_001353950.2, NM_001353951.2 and 2 more transcripts); c.3621+33T>G (NM_001353958.2, NM_001353957.2, NM_001165964.3); c.3705+33T>G (NM_001202435.3, NM_001353948.2); c.3669+33T>G (NM_001353955.2, NM_001353954.2); c.3618+33T>G (NM_001353960.2); c.1263+33T>G (NM_001353961.2).
Identifiers: ClinVar variation 1214854 (VCV001214854.27), dbSNP rs76743139, ClinGen allele CA1942906.
Genomic context (GRCh38, chr2:166,013,711, plus strand): 5'-ATACTAAGACAATGAAACAAAGGATTAATAAGTCATCAGTATTAGAGTGTTCTAAAAATT[A>C]GTGCTGTATCACCTTTTCTTAATCTCACTCACCAGAGCACCACTACTAAGGAGAATCATG-3'